The following is an entry in ClinVar:

NM_001370259.2(MEN1):c.1181G>C (p.Ser394Thr)

Gene: MEN1 (menin 1; minus strand). Cytogenetic location: 11q13.1.
Variant type: single nucleotide variant.
Coding change: c.1181G>C on transcript NM_001370259.2 (MANE Select); coding-DNA position 1181, G replaced by C.
Protein change: p.Ser394Thr; replaces serine 394 with threonine.
Molecular consequence: missense variant.
Genome position (GRCh38, 1-based): chr11:64,805,639, C>G on the plus strand (G>C on the coding strand, the complement: MEN1 is on the minus strand). VCF-style: chr11-64805639-C-G. GRCh37 (hg19) VCF-style: chr11-64573111-C-G.
Other names: c.1196G>C, p.Ser399Thr (NM_000244.4, NM_130800.3, NM_130801.3 and 3 more transcripts); c.1307G>C, p.Ser436Thr (NM_001370251.2); c.1181G>C, p.Ser394Thr (NM_001370260.2, NM_001370261.2, NM_130799.3); c.1076G>C, p.Ser359Thr (NM_001370262.2, NM_001370263.2); short protein forms S394T, S399T, S359T, S436T.
Identifiers: ClinVar variation 403820 (VCV000403820.8), dbSNP rs934222398, ClinGen allele CA16613381.

ClinVar aggregate classification (germline): Uncertain significance (1 of 4 stars; one submission).

Conditions:
Multiple endocrine neoplasia, type 1 (MEN1). Also called: MEN I; WERMER SYNDROME; Endocrine adenomatosis multiple; MEN 1; MEA I. Identifiers: Orphanet 652, MedGen C0025267, MeSH D018761, MONDO:0007540, OMIM 131100.

Allele frequency attached by ClinVar (database versions not stated): TOPMed below 0.00001; gnomAD 0.00001.

Submission:

Labcorp Genetics (formerly Invitae), Labcorp
Classification: Uncertain significance for Multiple endocrine neoplasia, type 1. Last evaluated: 2024-12-16. Review status: criteria provided, single submitter. Criteria: Invitae Variant Classification Sherloc (09022015). Collection method: clinical testing. Allele origin: germline.
Comment: This sequence change replaces serine, which is neutral and polar, with threonine, which is neutral and polar, at codon 394 of the MEN1 protein (p.Ser394Thr). This variant is not present in population databases (gnomAD no frequency). This variant has not been reported in the literature in individuals affected with MEN1-related conditions. ClinVar contains an entry for this variant (Variation ID: 403820). An algorithm developed to predict the effect of missense changes on protein structure and function outputs the following: PolyPhen-2: "Benign". The threonine amino acid residue is found in multiple mammalian species, which suggests that this missense change does not adversely affect protein function. In summary, the available evidence is currently insufficient to determine the role of this variant in disease. Therefore, it has been classified as a Variant of Uncertain Significance.